The following is an entry in ClinVar:

NM_013447.4(ADGRE2):c.919G>T (p.Ala307Ser)

Gene: ADGRE2 (adhesion G protein-coupled receptor E2; minus strand). Cytogenetic location: 19p13.12.
Variant type: single nucleotide variant.
Coding change: c.919G>T on transcript NM_013447.4 (MANE Select); coding-DNA position 919, G replaced by T.
Protein change: p.Ala307Ser; replaces alanine 307 with serine.
Molecular consequence: missense variant.
Genome position (GRCh38, 1-based): chr19:14,764,598, C>A on the plus strand (G>T on the coding strand, the complement: ADGRE2 is on the minus strand). VCF-style: chr19-14764598-C-A. GRCh37 (hg19) VCF-style: chr19-14875410-C-A.
Other names: c.919G>T, p.Ala307Ser (NM_001271052.1); c.772G>T, p.Ala258Ser (NM_152916.2); c.640G>T, p.Ala214Ser (NM_152917.2); short protein forms A307S, A214S, A258S.
Identifiers: ClinVar variation 3006802 (VCV003006802.3), dbSNP rs765697044, ClinGen allele CA9257846.

ClinVar aggregate classification (germline): Uncertain significance (1 of 4 stars; one submission).

Allele frequency attached by ClinVar (database versions not stated): ExAC 0.00001; gnomAD 0.00001; TOPMed 0.00001.
gnomAD v4.1: 42 of 1,611,788 alleles (0.0026%); highest among the groups gnomAD compares: Non-Finnish European, 0.0034%; no homozygotes.

Submission:

Labcorp Genetics (formerly Invitae), Labcorp
Classification: Uncertain significance. Last evaluated: 2023-07-25. Review status: criteria provided, single submitter. Criteria: Invitae Variant Classification Sherloc (09022015). Collection method: clinical testing. Allele origin: germline.
Comment: In summary, the available evidence is currently insufficient to determine the role of this variant in disease. Therefore, it has been classified as a Variant of Uncertain Significance. Algorithms developed to predict the effect of missense changes on protein structure and function output the following: SIFT: "Not Available"; PolyPhen-2: "Benign"; Align-GVGD: "Not Available". The serine amino acid residue is found in multiple mammalian species, which suggests that this missense change does not adversely affect protein function. This variant has not been reported in the literature in individuals affected with ADGRE2-related conditions. This variant is present in population databases (rs765697044, gnomAD 0.002%). This sequence change replaces alanine, which is neutral and non-polar, with serine, which is neutral and polar, at codon 307 of the ADGRE2 protein (p.Ala307Ser).